The following is an entry in ClinVar:

NM_016169.4(SUFU):c.910+3_910+4delinsCCAC

Gene: SUFU (SUFU negative regulator of hedgehog signaling; plus strand). Cytogenetic location: 10q24.32.
Variant type: Indel.
Coding change: c.910+3_910+4delinsCCAC on transcript NM_016169.4 (MANE Select); bases 3 to 4 of the intron after coding-DNA position 910, GG replaced by CCAC.
Molecular consequence: intron variant.
Genome position (GRCh38, 1-based): chr10:102,597,296-102,597,297, GG replaced by CCAC. VCF-style: chr10-102597296-GG-CCAC. GRCh37 (hg19) VCF-style: chr10-104357053-GG-CCAC.
Other names: c.910+3_910+4delinsCCAC (NM_001178133.2).
Identifiers: ClinVar variation 3802888 (VCV003802888.1).

ClinVar aggregate classification (germline): Uncertain significance (1 of 4 stars; one submission).

Conditions:
Hereditary cancer-predisposing syndrome. Also called: Neoplastic Syndromes, Hereditary; Hereditary Cancer Syndrome; Tumor predisposition; Hereditary neoplastic syndrome. Identifiers: Orphanet 140162, MedGen C0027672, MeSH D009386, MONDO:0015356.

Submission:

Ambry Genetics
Classification: Uncertain significance for Hereditary cancer-predisposing syndrome. Last evaluated: 2025-01-17. Review status: criteria provided, single submitter. Criteria: Ambry Variant Classification Scheme 2023. Collection method: clinical testing. Allele origin: germline.
Comment: The c.910+3_910+4delGGinsCCAC intronic variant, located in intron 7 of the SUFU gene, results from the deletion of two nucleotides (GG) and the insertion of 4 nucleotides (CCAC) at nucleotide positions 910+3 to 910+4. These nucleotide positions are not well conserved in available vertebrate species. In silico splice site analysis predicts that this alteration will not have any significant effect on splicing. Based on the available evidence, the clinical significance of this variant remains unclear.